The following is an entry in ClinVar:

ClinVar aggregate classification (germline): Uncertain significance. Review status: criteria provided, multiple submitters, no conflicts (2 of 4 stars). 2 submissions from 2 submitters: Uncertain significance (2). Last evaluated 2023-10-15.

Conditions:
Aortic aneurysm, familial thoracic 8 (AAT8). Identifiers: MedGen C3809513, MONDO:0014187, OMIM 615436.
Familial thoracic aortic aneurysm and aortic dissection (TAAD). Also called: Thoracic aortic aneurysms and dissections. Identifiers: Orphanet 91387, MedGen C4707243, MONDO:0019625.

Allele frequency attached by ClinVar (database versions not stated): gnomAD exomes below 0.00001.
gnomAD v4.1: 2 of 1,614,026 alleles (0.00012%); highest among the groups gnomAD compares: Non-Finnish European, 0.00017%; no homozygotes.

Submissions (2):

Ambry Genetics
Classification: Uncertain significance for Familial thoracic aortic aneurysm and aortic dissection. Last evaluated: 2023-10-15. Review status: criteria provided, single submitter. Criteria: Ambry Variant Classification Scheme 2023. Collection method: clinical testing. Allele origin: germline.
Comment: The p.Q63H variant (also known as c.189G>C), located in coding exon 1 of the PRKG1 gene, results from a G to C substitution at nucleotide position 189. The glutamine at codon 63 is replaced by histidine, an amino acid with highly similar properties. This amino acid position is conserved. In addition, this alteration is predicted to be tolerated by in silico analysis. Since supporting evidence is limited at this time, the clinical significance of this alteration remains unclear.

Labcorp Genetics (formerly Invitae), Labcorp
Classification: Uncertain significance for Aortic aneurysm, familial thoracic 8. Last evaluated: 2023-04-15. Review status: criteria provided, single submitter. Criteria: Invitae Variant Classification Sherloc (09022015). Collection method: clinical testing. Allele origin: germline.
Comment: In summary, the available evidence is currently insufficient to determine the role of this variant in disease. Therefore, it has been classified as a Variant of Uncertain Significance. An algorithm developed to predict the effect of missense changes on protein structure and function (PolyPhen-2) suggests that this variant is likely to be tolerated. This variant has not been reported in the literature in individuals affected with PRKG1-related conditions. This variant is not present in population databases (gnomAD no frequency). This sequence change replaces glutamine, which is neutral and polar, with histidine, which is basic and polar, at codon 63 of the PRKG1 protein (p.Gln63His).

NM_006258.4(PRKG1):c.189G>C (p.Gln63His)

Gene: PRKG1 (protein kinase cGMP-dependent 1; plus strand). Cytogenetic location: 10q11.23.
Variant type: single nucleotide variant.
Coding change: c.189G>C on transcript NM_006258.4 (MANE Select); coding-DNA position 189, G replaced by C.
Protein change: p.Gln63His; replaces glutamine 63 with histidine.
Molecular consequence: missense variant. On other transcripts: intron variant (1).
Genome position (GRCh38, 1-based): chr10:51,074,779, G>C. VCF-style: chr10-51074779-G-C. GRCh37 (hg19) VCF-style: chr10-52834539-G-C.
Other names: c.189G>C, p.Gln63His (NM_001374782.1); c.267-78385G>C (NM_001098512.3); c.189G>C (NM_006258.3); short protein forms Q63H.
Identifiers: ClinVar variation 2760562 (VCV002760562.4), dbSNP rs2132804540, ClinGen allele CA376826993.